The following is an entry in ClinVar:

NM_001372106.1(DNAH10):c.13334G>A (p.Gly4445Glu)

Genes: DNAH10 (dynein axonemal heavy chain 10; plus strand), DNAH10OS (dynein axonemal heavy chain 10 opposite strand; minus strand). Cytogenetic location: 12q24.31.
Variant type: single nucleotide variant.
Coding change: c.13334G>A on transcript NM_001372106.1 (MANE Select); coding-DNA position 13334, G replaced by A.
Protein change: p.Gly4445Glu; replaces glycine 4445 with glutamic acid.
Molecular consequence: missense variant.
Genome position (GRCh38, 1-based): chr12:123,933,368, G>A. VCF-style: chr12-123933368-G-A. GRCh37 (hg19) VCF-style: chr12-124417915-G-A.
Other names: c.12980G>A, p.Gly4327Glu (NM_001083900.1, NM_207437.3); short protein forms G4445E, G4327E.
Identifiers: ClinVar variation 2405968 (VCV002405968.4), dbSNP rs1412522025, ClinGen allele CA387191308.
Genomic context (GRCh38, chr12:123,933,368, plus strand): 5'-CACTTGTCCTCTCTTCTCTCCAGGTGACCGAGAGCGAGCCCAGCGTGATGTGGCTCTCGG[G>A]GCTGCACATCCCTGAGTCCTACCTCACGGCGCTGGTGCAGGCCACCTGCCGGAAGAACGG-3'
Protein context (NP_001359035.1, residues 4435-4455): ESEPSVMWLS[Gly4445Glu]LHIPESYLTA

ClinVar aggregate classification (germline): Uncertain significance. Review status: criteria provided, multiple submitters, no conflicts (2 of 4 stars). 3 submissions from 3 submitters: Uncertain significance (3). Last evaluated 2023-07-03.

Allele frequency attached by ClinVar (database versions not stated): gnomAD 0.00001; gnomAD exomes 0.00001; TOPMed 0.00002.
gnomAD v4.1: 5 of 1,606,254 alleles (0.00031%); highest among the groups gnomAD compares: Admixed American, 0.0067%; no homozygotes.

Submissions (3):

GeneDx
Classification: Uncertain significance. Last evaluated: 2023-07-03. Review status: criteria provided, single submitter. Criteria: GeneDx Variant Classification Process June 2021. Collection method: clinical testing. Allele origin: germline. Affected: yes.
Comment: Not observed at significant frequency in large population cohorts (gnomAD); In silico analysis supports that this missense variant has a deleterious effect on protein structure/function; Has not been previously published as pathogenic or benign to our knowledge

Ambry Genetics
Classification: Uncertain significance. Last evaluated: 2022-10-04. Review status: criteria provided, single submitter. Criteria: Ambry Variant Classification Scheme 2023. Collection method: clinical testing. Allele origin: germline.

Breakthrough Genomics
Classification: Uncertain significance. Review status: criteria provided, single submitter. Criteria: ACMG Guidelines, 2015. Collection method: not provided. Allele origin: germline. Inheritance: Autosomal recessive inheritance. Affected: yes.